The following is an entry in ClinVar:

ClinVar aggregate classification (germline): Uncertain significance. Review status: criteria provided, multiple submitters, no conflicts (2 of 4 stars). 2 submissions from 2 submitters: Uncertain significance (2). Last evaluated 2025-06-26.

Conditions:
Cardiovascular phenotype. Identifiers: MedGen CN230736.
Cardiomyopathy (CMYO). Also called: Cardiomyopathies. Identifiers: Orphanet 167848, MedGen C0878544, MONDO:0004994, HP:0001638. Inheritance: Various modes of inheritance.

Allele frequency attached by ClinVar (database versions not stated): TOPMed below 0.00001; gnomAD 0.00001; gnomAD exomes 0.00002.

Submissions (2):

Color Diagnostics, LLC DBA Color Health
Classification: Uncertain significance for Cardiomyopathy. Last evaluated: 2025-06-26. Review status: criteria provided, single submitter. Criteria: ACMG Guidelines, 2015. Collection method: clinical testing. Allele origin: germline.
Comment: This missense variant replaces lysine with arginine at codon 7 of the MYL2 protein. Computational prediction suggests that this variant may not impact protein structure and function. To our knowledge, functional studies have not been reported for this variant. This variant has been reported in an individual affected with hypertrophic cardiomyopathy (PMID: 33495597). This variant has not been identified in the general population by the Genome Aggregation Database (gnomAD). The available evidence is insufficient to determine the role of this variant in disease conclusively. Therefore, this variant is classified as a Variant of Uncertain Significance.

Ambry Genetics
Classification: Uncertain significance for Cardiovascular phenotype. Last evaluated: 2017-06-19. Review status: criteria provided, single submitter. Criteria: Ambry Variant Classification Scheme 2023. Collection method: clinical testing. Allele origin: germline.
Comment: The p.K7R variant (also known as c.20A>G), located in coding exon 2 of the MYL2 gene, results from an A to G substitution at nucleotide position 20. The lysine at codon 7 is replaced by arginine, an amino acid with highly similar properties. This amino acid position is highly conserved in available vertebrate species. In addition, the in silico prediction for this alteration is inconclusive. Since supporting evidence is limited at this time, the clinical significance of this alteration remains unclear.

Literature cited by the submitters: PubMed 33495597 (cited by Color Diagnostics, LLC DBA Color Health).

NM_000432.4(MYL2):c.20A>G (p.Lys7Arg)

Genes: MYL2 (myosin light chain 2; minus strand), LOC114827850 (VISTA enhancer hs2149; plus strand). Cytogenetic location: 12q24.11.
Variant type: single nucleotide variant.
Coding change: c.20A>G on transcript NM_000432.4 (MANE Select); coding-DNA position 20, A replaced by G.
Protein change: p.Lys7Arg; replaces lysine 7 with arginine.
Molecular consequence: missense variant.
Genome position (GRCh38, 1-based): chr12:110,919,177, T>C on the plus strand (A>G on the coding strand, the complement: MYL2 is on the minus strand). VCF-style: chr12-110919177-T-C. GRCh37 (hg19) VCF-style: chr12-111356981-T-C.
Other names: short protein forms K7R.
Identifiers: ClinVar variation 520362 (VCV000520362.6), dbSNP rs1344327792, ClinGen allele CA386700342.